The following is an entry in ClinVar:

NM_001375765.1(GIGYF1):c.1794A>G (p.Pro598=)

Gene: GIGYF1 (GRB10 interacting GYF protein 1; minus strand). Cytogenetic location: 7q22.1.
Variant type: single nucleotide variant.
Coding change: c.1794A>G on transcript NM_001375765.1 (MANE Select); coding-DNA position 1794, A replaced by G.
Protein change: p.Pro598=; no amino-acid change (proline 598 retained).
Molecular consequence: synonymous variant. On other transcripts: non-coding transcript variant (1).
Genome position (GRCh38, 1-based): chr7:100,684,094, T>C on the plus strand (A>G on the coding strand, the complement: GIGYF1 is on the minus strand). VCF-style: chr7-100684094-T-C. GRCh37 (hg19) VCF-style: chr7-100281717-T-C.
Other names: NM_022574.4:c.1794A>G; c.1794A>G, p.Pro598= (NM_001375759.1, NM_001375760.1, NM_001375761.1 and 6 more transcripts).
Identifiers: ClinVar variation 3036902 (VCV003036902.2), dbSNP rs758328622, ClinGen allele CA4388415.
Genomic context (GRCh38, chr7:100,684,094, plus strand): 5'-CGCCTGGAGCTGCTGCAGGAATGCCGTGAGCTGCTGCTGCTGCTGCTGTGGCGGCGGCGG[T>C]GGTGGCGGTGTCAGGTCCCCCAGAGCTGCCTTTTCTCGGAGCGCGCACTGTGGGAGCTGG-3'
Protein context (NP_001362694.1, residues 588-608): KAALGDLTPP[Pro598=]PPPPQQQQQQ

ClinVar aggregate classification (germline): Likely benign (0 of 4 stars; one submission).

Conditions:
GIGYF1-related disorder. Also called: GIGYF1-related condition.

Allele frequency attached by ClinVar (database versions not stated): gnomAD 0.00001; TOPMed 0.00003; ExAC 0.00005.
gnomAD v4.1: 112 of 1,602,562 alleles (0.007%); highest among the groups gnomAD compares: South Asian, 0.0099%; no homozygotes.

Submission:

PreventionGenetics, part of Exact Sciences
Classification: Likely benign for GIGYF1-related condition. Last evaluated: 2021-12-22. Review status: no assertion criteria provided. Collection method: clinical testing. Allele origin: germline.
Comment: This variant is classified as likely benign based on ACMG/AMP sequence variant interpretation guidelines (Richards et al. 2015 PMID: 25741868, with internal and published modifications).